The following is an entry in ClinVar:

NM_020778.5(ALPK3):c.1132C>T (p.Pro378Ser)

Gene: ALPK3 (alpha kinase 3; plus strand). Cytogenetic location: 15q25.3.
Variant type: single nucleotide variant.
Coding change: c.1132C>T on transcript NM_020778.5 (MANE Select); coding-DNA position 1132, C replaced by T.
Protein change: p.Pro378Ser; replaces proline 378 with serine.
Molecular consequence: missense variant.
Genome position (GRCh38, 1-based): chr15:84,840,411, C>T. VCF-style: chr15-84840411-C-T. GRCh37 (hg19) VCF-style: chr15-85383642-C-T.
Other names: short protein forms P378S.
Identifiers: ClinVar variation 2833828 (VCV002833828.3), dbSNP rs2505706073, ClinGen allele CA393374528.

ClinVar aggregate classification (germline): Uncertain significance (1 of 4 stars; one submission).

Submission:

Labcorp Genetics (formerly Invitae), Labcorp
Classification: Uncertain significance. Last evaluated: 2023-02-01. Review status: criteria provided, single submitter. Criteria: Invitae Variant Classification Sherloc (09022015). Collection method: clinical testing. Allele origin: germline.
Comment: This sequence change replaces proline, which is neutral and non-polar, with serine, which is neutral and polar, at codon 580 of the ALPK3 protein (p.Pro580Ser). This variant is not present in population databases (gnomAD no frequency). This variant has not been reported in the literature in individuals affected with ALPK3-related conditions. Algorithms developed to predict the effect of missense changes on protein structure and function output the following: SIFT: "Tolerated"; PolyPhen-2: "Benign"; Align-GVGD: "Class C0". The serine amino acid residue is found in multiple mammalian species, which suggests that this missense change does not adversely affect protein function. In summary, the available evidence is currently insufficient to determine the role of this variant in disease. Therefore, it has been classified as a Variant of Uncertain Significance.